The following is an entry in ClinVar:

ClinVar aggregate classification (germline): Likely benign. Review status: criteria provided, multiple submitters, no conflicts (2 of 4 stars). 2 submissions from 2 submitters: Likely benign (2). Last evaluated 2025-05-12.

Conditions:
Tuberous sclerosis 2 (TSC2). Identifiers: Orphanet 805, MedGen C1860707, MONDO:0013199, OMIM 613254.

gnomAD v4.1: 1 of 1,570,956 alleles (0.000064%); highest among the groups gnomAD compares: Non-Finnish European, 0.000086%; no homozygotes.

Submissions (2):

Myriad Genetics, Inc.
Classification: Likely benign for Tuberous sclerosis 2. Last evaluated: 2025-05-12. Review status: criteria provided, single submitter. Criteria: Myriad Autosomal Dominant, Autosomal Recessive and X-Linked Classification Criteria (2023). Collection method: clinical testing. Allele origin: unknown.
Comment: This variant is considered likely benign. This variant is intronic and is not expected to impact mRNA splicing.

Labcorp Genetics (formerly Invitae), Labcorp
Classification: Likely benign for Tuberous sclerosis 2. Last evaluated: 2024-08-14. Review status: criteria provided, single submitter. Criteria: Invitae Variant Classification Sherloc (09022015). Collection method: clinical testing. Allele origin: germline.

NM_000548.5(TSC2):c.849-19C>T

Gene: TSC2 (TSC complex subunit 2; plus strand). Cytogenetic location: 16p13.3.
Variant type: single nucleotide variant.
Coding change: c.849-19C>T on transcript NM_000548.5 (MANE Select); 19 bases into the intron before coding-DNA position 849, C replaced by T.
Molecular consequence: intron variant.
Genome position (GRCh38, 1-based): chr16:2,058,728, C>T. VCF-style: chr16-2058728-C-T. GRCh37 (hg19) VCF-style: chr16-2108729-C-T.
Other names: c.849-19C>T (NM_001114382.3, NM_021055.3, NM_001370405.1 and 3 more transcripts); c.738-19C>T (NM_001318827.2); c.249-19C>T (NM_001318831.2); c.702-19C>T (NM_001318829.2); c.882-19C>T (NM_001318832.2).
Identifiers: ClinVar variation 1584110 (VCV001584110.9), dbSNP rs2151104623, ClinGen allele CA2573151507.
Genomic context (GRCh38, chr16:2,058,728, plus strand): 5'-CTCGGCAACCTCACACATCCATGGCGGACCCTGGGACAGGGCCCTGCTCACATTCCGTCT[C>T]TCTGGGGAACACTTTTAGAGCCTACATGGAGGACGCGCCCCTGCTGAGAGGAGCCGTGTT-3'